The following is an entry in ClinVar:

ClinVar aggregate classification (germline): Uncertain significance (1 of 4 stars; one submission).

Submission:

Labcorp Genetics (formerly Invitae), Labcorp
Classification: Uncertain significance. Last evaluated: 2025-10-25. Review status: criteria provided, single submitter. Criteria: Invitae Variant Classification Sherloc (09022015). Collection method: clinical testing. Allele origin: germline.
Comment: This sequence change falls in intron 10 of the LZTR1 gene. It does not directly change the encoded amino acid sequence of the LZTR1 protein. Information on the frequency of this variant in the gnomAD database is not available, as this variant may be reported differently in the database. This variant has not been reported in the literature in individuals affected with LZTR1-related conditions. Experimental studies and prediction algorithms are not available or were not evaluated, and the effect of this variant on mRNA splicing is currently unknown. In summary, the available evidence is currently insufficient to determine the role of this variant in disease. Therefore, it has been classified as a Variant of Uncertain Significance.

NM_006767.4(LZTR1):c.1150-14_1150-13delinsGC

Gene: LZTR1 (leucine zipper like post translational regulator 1; plus strand). Cytogenetic location: 22q11.21.
Variant type: Indel.
Coding change: c.1150-14_1150-13delinsGC on transcript NM_006767.4 (MANE Select); 14 bases into the intron before coding-DNA position 1150 through 13 bases into the intron before coding-DNA position 1150, TT replaced by GC.
Molecular consequence: intron variant.
Genome position (GRCh38, 1-based): chr22:20,992,780-20,992,781, TT replaced by GC. VCF-style: chr22-20992780-TT-GC. GRCh37 (hg19) VCF-style: chr22-21347069-TT-GC.
Identifiers: ClinVar variation 4804448 (VCV004804448.1).